The following is an entry in ClinVar:

ClinVar aggregate classification (germline): Uncertain significance (1 of 4 stars; one submission).

Conditions:
Cystic fibrosis (CF). Also called: MUCOVISCIDOSIS. Identifiers: Orphanet 586, MedGen C0010674, MONDO:0009061, OMIM 219700. Disease mechanism: loss of function.

gnomAD v4.1: 1 of 1,614,036 alleles (0.000062%); highest among the groups gnomAD compares: Non-Finnish European, 0.000085%; no homozygotes.

Submission:

Ambry Genetics
Classification: Uncertain significance for Cystic fibrosis. Last evaluated: 2022-09-18. Review status: criteria provided, single submitter. Criteria: Ambry Variant Classification Scheme 2023. Collection method: clinical testing. Allele origin: germline.
Comment: The p.D1370E variant (also known as c.4110T>A), located in coding exon 25 of the CFTR gene, results from a T to A substitution at nucleotide position 4110. The aspartic acid at codon 1370 is replaced by glutamic acid, an amino acid with highly similar properties. This amino acid position is conserved. In addition, this alteration is predicted to be deleterious by in silico analysis. Since supporting evidence is limited at this time, the clinical significance of this alteration remains unclear.

NM_000492.4(CFTR):c.4110T>A (p.Asp1370Glu)

Gene: CFTR (CF transmembrane conductance regulator; plus strand). Cytogenetic location: 7q31.2.
Variant type: single nucleotide variant.
Coding change: c.4110T>A on transcript NM_000492.4 (MANE Select); coding-DNA position 4110, T replaced by A.
Protein change: p.Asp1370Glu; replaces aspartic acid 1370 with glutamic acid.
Molecular consequence: missense variant.
Genome position (GRCh38, 1-based): chr7:117,664,834, T>A. VCF-style: chr7-117664834-T-A. GRCh37 (hg19) VCF-style: chr7-117304888-T-A.
Other names: short protein forms D1370E.
Identifiers: ClinVar variation 1737927 (VCV001737927.2), dbSNP rs1793345654, ClinGen allele CA368982940.